The following is an entry in ClinVar:

ClinVar aggregate classification (germline): Uncertain significance (1 of 4 stars; one submission).

Allele frequency attached by ClinVar (database versions not stated): gnomAD 0.00003; gnomAD exomes 0.00004; TOPMed 0.00005; ExAC 0.00006; ESP Exome Variant Server 0.00015.
gnomAD v4.1: 61 of 1,613,454 alleles (0.0038%); highest among the groups gnomAD compares: Middle Eastern, 0.082%; 1 homozygote.

Submission:

Labcorp Genetics (formerly Invitae), Labcorp
Classification: Uncertain significance. Last evaluated: 2025-01-21. Review status: criteria provided, single submitter. Criteria: Invitae Variant Classification Sherloc (09022015). Collection method: clinical testing. Allele origin: germline.
Comment: This sequence change replaces alanine, which is neutral and non-polar, with threonine, which is neutral and polar, at codon 663 of the KANK2 protein (p.Ala663Thr). This variant is present in population databases (rs202053134, gnomAD 0.03%). This variant has not been reported in the literature in individuals affected with KANK2-related conditions. ClinVar contains an entry for this variant (Variation ID: 2895125). An algorithm developed to predict the effect of missense changes on protein structure and function (PolyPhen-2) suggests that this variant is likely to be disruptive. In summary, the available evidence is currently insufficient to determine the role of this variant in disease. Therefore, it has been classified as a Variant of Uncertain Significance.

NM_001136191.3(KANK2):c.1987G>A (p.Ala663Thr)

Gene: KANK2 (KN motif and ankyrin repeat domains 2; minus strand). Cytogenetic location: 19p13.2.
Variant type: single nucleotide variant.
Coding change: c.1987G>A on transcript NM_001136191.3 (MANE Select); coding-DNA position 1987, G replaced by A.
Protein change: p.Ala663Thr; replaces alanine 663 with threonine.
Molecular consequence: missense variant.
Genome position (GRCh38, 1-based): chr19:11,174,554, C>T on the plus strand (G>A on the coding strand, the complement: KANK2 is on the minus strand). VCF-style: chr19-11174554-C-T. GRCh37 (hg19) VCF-style: chr19-11285230-C-T.
Other names: c.1987G>A, p.Ala663Thr (NM_001329451.2, NM_001379555.1, NM_001379556.1 and 7 more transcripts); c.2011G>A, p.Ala671Thr (NM_001379548.1, NM_001379549.1, NM_001379550.1 and 5 more transcripts); short protein forms A663T, A671T.
Identifiers: ClinVar variation 2895125 (VCV002895125.3), dbSNP rs202053134, ClinGen allele CA9205437.